The following is an entry in ClinVar:

NM_018089.3(ANKZF1):c.1366C>T (p.Arg456Trp)

Gene: ANKZF1 (ankyrin repeat and zinc finger peptidyl tRNA hydrolase 1; plus strand). Cytogenetic location: 2q35.
Variant type: single nucleotide variant.
Coding change: c.1366C>T on transcript NM_018089.3 (MANE Select); coding-DNA position 1366, C replaced by T.
Protein change: p.Arg456Trp; replaces arginine 456 with tryptophan.
Molecular consequence: missense variant.
Genome position (GRCh38, 1-based): chr2:219,234,987, C>T. VCF-style: chr2-219234987-C-T. GRCh37 (hg19) VCF-style: chr2-220099709-C-T.
Other names: c.1366C>T, p.Arg456Trp (NM_001042410.2); c.736C>T, p.Arg246Trp (NM_001282792.2); short protein forms R456W, R246W.
Identifiers: ClinVar variation 1422849 (VCV001422849.8), dbSNP rs1234025538, ClinGen allele CA350680762.
Genomic context (GRCh38, chr2:219,234,987, plus strand): 5'-CGGAGGAGGAGAAAAAGGAATAAGAAGGAGAAAAGCCGAGACCAGGAGGCTGGGGCACAT[C>T]GGACTCTTCTCCAGCAAACTCAAGAAGAGGAGCCTTCCACACAGTCATCCCAGGCAGTTG-3'
Protein context (NP_060559.2, residues 446-466): KSRDQEAGAH[Arg456Trp]TLLQQTQEEE

ClinVar aggregate classification (germline): Uncertain significance (1 of 4 stars; one submission).

Allele frequency attached by ClinVar (database versions not stated): gnomAD 0.00001; TOPMed 0.00002.
gnomAD v4.1: 35 of 1,614,114 alleles (0.0022%); highest among the groups gnomAD compares: Non-Finnish European, 0.0025%; no homozygotes.

Submission:

Labcorp Genetics (formerly Invitae), Labcorp
Classification: Uncertain significance. Last evaluated: 2023-11-24. Review status: criteria provided, single submitter. Criteria: Invitae Variant Classification Sherloc (09022015). Collection method: clinical testing. Allele origin: germline.
Comment: This sequence change replaces arginine, which is basic and polar, with tryptophan, which is neutral and slightly polar, at codon 456 of the ANKZF1 protein (p.Arg456Trp). This variant is present in population databases (no rsID available, gnomAD 0.01%). This variant has not been reported in the literature in individuals affected with ANKZF1-related conditions. ClinVar contains an entry for this variant (Variation ID: 1422849). An algorithm developed to predict the effect of missense changes on protein structure and function (PolyPhen-2) suggests that this variant is likely to be tolerated. In summary, the available evidence is currently insufficient to determine the role of this variant in disease. Therefore, it has been classified as a Variant of Uncertain Significance.